The following is an entry in ClinVar:

NM_000038.6(APC):c.463A>G (p.Lys155Glu)

Gene: APC (APC regulator of Wnt signaling pathway; plus strand). Cytogenetic location: 5q22.2.
Variant type: single nucleotide variant.
Coding change: c.463A>G on transcript NM_000038.6 (MANE Select); coding-DNA position 463, A replaced by G.
Protein change: p.Lys155Glu; replaces lysine 155 with glutamic acid.
Molecular consequence: missense variant. On other transcripts: 5 prime UTR variant (4), non-coding transcript variant (2).
Genome position (GRCh38, 1-based): chr5:112,775,669, A>G. VCF-style: chr5-112775669-A-G. GRCh37 (hg19) VCF-style: chr5-112111366-A-G.
Other names: c.463A>G, p.Lys155Glu (NM_001127510.3, NM_001354895.2, NM_001354896.2 and 16 more transcripts); c.493A>G, p.Lys165Glu (NM_001127511.3, NM_001354897.2, NM_001354902.2 and 1 more transcripts); c.388A>G, p.Lys130Glu (NM_001354898.2, NM_001354904.2, NM_001407451.1); c.286A>G, p.Lys96Glu (NM_001354900.2, NM_001354901.2, NM_001354905.2 and 1 more transcripts); c.-573A>G (NM_001354906.2, NM_001407470.1, NM_001407471.1 and 1 more transcripts); short protein forms K130E, K96E, K155E, K165E.
Identifiers: ClinVar variation 2800974 (VCV002800974.3), dbSNP rs967226219, ClinGen allele CA16022332.

ClinVar aggregate classification (germline): Uncertain significance (1 of 4 stars; one submission).

Conditions:
Familial adenomatous polyposis 1 (FAP1). Also called: FAMILIAL ADENOMATOUS POLYPOSIS 1, ATTENUATED; POLYPOSIS, ADENOMATOUS INTESTINAL. Identifiers: MedGen C2713442, MONDO:0021056, OMIM 175100. Disease mechanism: loss of function.

Allele frequency attached by ClinVar (database versions not stated): gnomAD 0.00001; TOPMed 0.00001.
gnomAD v4.1: 1 of 1,609,204 alleles (0.000062%); highest among the groups gnomAD compares: Non-Finnish European, 0.000085%; no homozygotes.

Submission:

Labcorp Genetics (formerly Invitae), Labcorp
Classification: Uncertain significance for Familial adenomatous polyposis 1. Last evaluated: 2023-06-15. Review status: criteria provided, single submitter. Criteria: Invitae Variant Classification Sherloc (09022015). Collection method: clinical testing. Allele origin: germline.
Comment: This variant is present in population databases (no rsID available, gnomAD 0.0009%). This sequence change replaces lysine, which is basic and polar, with glutamic acid, which is acidic and polar, at codon 155 of the APC protein (p.Lys155Glu). In summary, the available evidence is currently insufficient to determine the role of this variant in disease. Therefore, it has been classified as a Variant of Uncertain Significance. Advanced modeling of protein sequence and biophysical properties (such as structural, functional, and spatial information, amino acid conservation, physicochemical variation, residue mobility, and thermodynamic stability) performed at Invitae indicates that this missense variant is not expected to disrupt APC protein function. This variant has not been reported in the literature in individuals affected with APC-related conditions.